The following is an entry in ClinVar:

NM_000059.4(BRCA2):c.561G>C (p.Glu187Asp)

Gene: BRCA2 (BRCA2 DNA repair associated; plus strand). Cytogenetic location: 13q13.1.
Variant type: single nucleotide variant.
Coding change: c.561G>C on transcript NM_000059.4 (MANE Select); coding-DNA position 561, G replaced by C.
Protein change: p.Glu187Asp; replaces glutamic acid 187 with aspartic acid.
Molecular consequence: missense variant.
Genome position (GRCh38, 1-based): chr13:32,326,543, G>C. VCF-style: chr13-32326543-G-C. GRCh37 (hg19) VCF-style: chr13-32900680-G-C.
Other names: short protein forms E187D.
Identifiers: ClinVar variation 531416 (VCV000531416.11), dbSNP rs754678843, ClinGen allele CA387757930.
Genomic context (GRCh38, chr13:32,326,543, plus strand): 5'-TTTTCTTTCCTCCCAGGGTCGTCAGACACCAAAACATATTTCTGAAAGTCTAGGAGCTGA[G>C]GTGGATCCTGATATGTCTTGGTCAAGTTCTTTAGCTACACCACCCACCCTTAGTTCTACT-3'
Protein context (NP_000050.3, residues 177-197): PKHISESLGA[Glu187Asp]VDPDMSWSSS

ClinVar aggregate classification (germline): Uncertain significance. Review status: criteria provided, multiple submitters, no conflicts (2 of 4 stars). 2 submissions from 2 submitters: Uncertain significance (2). Last evaluated 2022-09-01.

Conditions:
Breast-ovarian cancer, familial, susceptibility to, 2 (BROVCA2). Also called: BRCA2 Hereditary Breast and Ovarian Cancer. Identifiers: Orphanet 145, MedGen C2675520, MONDO:0012933, OMIM 612555. Disease mechanism: loss of function.
Hereditary breast ovarian cancer syndrome. Also called: Hereditary breast and ovarian cancer syndrome; Hereditary breast and ovarian cancer syndrome (HBOC); BRCA1- and BRCA2-Associated Hereditary Breast and Ovarian Cancer; Hereditary breast and ovarian cancer; Breast and ovarian cancer; Hereditary breast and/or ovarian cancer syndrome. Identifiers: Orphanet 145, MedGen C0677776, MeSH D061325, MONDO:0003582. Disease mechanism: loss of function.

Submissions (2):

Labcorp Genetics (formerly Invitae), Labcorp
Classification: Uncertain significance for Hereditary breast ovarian cancer syndrome. Last evaluated: 2022-09-01. Review status: criteria provided, single submitter. Criteria: Invitae Variant Classification Sherloc (09022015). Collection method: clinical testing. Allele origin: germline.
Comment: This sequence change replaces glutamic acid, which is acidic and polar, with aspartic acid, which is acidic and polar, at codon 187 of the BRCA2 protein (p.Glu187Asp). This variant is not present in population databases (gnomAD no frequency). This variant has not been reported in the literature in individuals affected with BRCA2-related conditions. ClinVar contains an entry for this variant (Variation ID: 531416). Advanced modeling of protein sequence and biophysical properties (such as structural, functional, and spatial information, amino acid conservation, physicochemical variation, residue mobility, and thermodynamic stability) performed at Invitae indicates that this missense variant is not expected to disrupt BRCA2 protein function. In summary, the available evidence is currently insufficient to determine the role of this variant in disease. Therefore, it has been classified as a Variant of Uncertain Significance.

Mendelics
Classification: Uncertain significance for Breast-ovarian cancer, familial, susceptibility to, 2. Last evaluated: 2019-05-28. Review status: criteria provided, single submitter. Criteria: Mendelics Assertion Criteria 2017. Collection method: clinical testing. Allele origin: unknown.